The following is an entry in ClinVar:

ClinVar aggregate classification (germline): Likely pathogenic. Review status: criteria provided, multiple submitters, no conflicts (2 of 4 stars). 3 submissions from 3 submitters: Likely pathogenic (3). Last evaluated 2025-12-15.

Conditions:
COL7A1-related disorder. Also called: COL7A1-related condition; COL7A1- related disorders.
Epidermolysis bullosa dystrophica. Also called: Dystrophic epidermolysis bullosa, Hallopeau-Siemens type (formerly); Dystrophic epidermolysis bullosa. Identifiers: Orphanet 303, MedGen C0079294, MONDO:0006543.

Allele frequency attached by ClinVar (database versions not stated): gnomAD exomes below 0.00001; TOPMed below 0.00001; ExAC 0.00001.
gnomAD v4.1: 4 of 1,613,026 alleles (0.00025%); highest among the groups gnomAD compares: Admixed American, 0.0017%; 1 homozygote.

Submissions (3):

Labcorp Genetics (formerly Invitae), Labcorp
Classification: Likely pathogenic. Last evaluated: 2025-12-15. Review status: criteria provided, single submitter. Criteria: Invitae Variant Classification Sherloc (09022015). Collection method: clinical testing. Allele origin: germline.
Comment: This sequence change affects a donor splice site in intron 32 of the COL7A1 gene. It is expected to disrupt splicing. Variants that disrupt the donor or acceptor splice site typically lead to a loss of protein function (PMID: 16199547), and loss-of-function variants in COL7A1 are known to be disease-causing for autosomal recessive dystrophic epidermolysis bullosa (PMID: 16971478). However, certain variants affecting donor or acceptor splice sites in the triple helical domain of COL7A1 are expected to result in in-frame exon skipping and have been reported to cause autosomal dominant dystrophic epidermolysis bullosa (PMID: 31670143). This variant is present in population databases (rs753368984, gnomAD 0.003%). This variant has not been reported in the literature in individuals affected with COL7A1-related conditions. ClinVar contains an entry for this variant (Variation ID: 1471695). Algorithms developed to predict the effect of sequence changes on RNA splicing suggest that this variant may disrupt the consensus splice site. In summary, the currently available evidence indicates that the variant is pathogenic, but additional data are needed to prove that conclusively. Therefore, this variant has been classified as Likely Pathogenic.

Natera, Inc.
Classification: Likely pathogenic for Dystrophic epidermolysis bullosa. Last evaluated: 2024-12-29. Review status: criteria provided, single submitter. Criteria: Natera Variant Classification Schema (03/2026). Collection method: clinical testing. Allele origin: germline.
Comment: The c.3975+2T>A variant in COL7A1 is a canonical splice donor site variant predicted to affect pre-mRNA splicing, which may result in an abnormal transcript and altered protein product. This variant is expected to result in nonsense mediated decay, truncation, or a dysfunctional protein product. This variant is rare in the general population with a frequency below the threshold expected for the associated phenotype(s). Given the available evidence, this variant is classified as Likely Pathogenic.

Women's Health and Genetics/Laboratory Corporation of America, LabCorp
Classification: Likely pathogenic for COL7A1-Related Disorders. Last evaluated: 2024-09-09. Review status: criteria provided, single submitter. Criteria: LabCorp Variant Classification Summary - May 2015. Collection method: clinical testing. Allele origin: germline.
Comment: Variant summary: COL7A1 c.3975+2T>A is located in a canonical splice-site and is predicted to affect mRNA splicing resulting in a significantly altered protein due to either exon skipping, shortening, or inclusion of intronic material. Variants that disrupt the consensus splice site are a relatively common cause of aberrant splicing and loss of COL7A1 function. Several computational tools predict a significant impact on normal splicing: four predict the variant abolishes a 5 prime splicing donor site. However, these predictions have yet to be confirmed by functional studies. The variant allele was found at a frequency of 4e-06 in 248092 control chromosomes. c.3975+2T>A has been reported in the literature in at-least one individual affected with Osteosarcoma (example: Mirabello_2020). These report(s) do not provide unequivocal conclusions about association of the variant with Dystrophic Epidermolysis Bullosa, Recessive. To our knowledge, no experimental evidence demonstrating an impact on protein function has been reported. The following publication has been ascertained in the context of this evaluation (PMID: 32191290). ClinVar contains an entry for this variant (Variation ID: 1471695). Based on the evidence outlined above, the variant was classified as likely pathogenic.

Literature cited by the submitters: PubMed 16199547 (cited by Labcorp Genetics (formerly Invitae), Labcorp); PubMed 16971478 (cited by Labcorp Genetics (formerly Invitae), Labcorp); PubMed 31670143 (cited by Labcorp Genetics (formerly Invitae), Labcorp); PubMed 32191290 (cited by Women's Health and Genetics/Laboratory Corporation of America, LabCorp).

NM_000094.4(COL7A1):c.3975+2T>A

Gene: COL7A1 (collagen type VII alpha 1 chain; minus strand). Cytogenetic location: 3p21.31.
Variant type: single nucleotide variant.
Coding change: c.3975+2T>A on transcript NM_000094.4 (MANE Select); the canonical splice donor site of the intron after coding-DNA position 3975, T replaced by A.
Molecular consequence: splice donor variant.
Genome position (GRCh38, 1-based): chr3:48,585,034, A>T on the plus strand (T>A on the coding strand, the complement: COL7A1 is on the minus strand). VCF-style: chr3-48585034-A-T. GRCh37 (hg19) VCF-style: chr3-48622467-A-T.
Other names: c.3975+2T>A (NM_000094.3).
Identifiers: ClinVar variation 1471695 (VCV001471695.11), dbSNP rs753368984, ClinGen allele CA2380314.
Genomic context (GRCh38, chr3:48,585,034, plus strand): 5'-TCGGAGCCACCCCACCCACTCAGGCAGCGCCCACCCTGACCTGCAGGACAAGGCTTGCTC[A>T]CCTTTAGGCCAGGGGCTCCAGGGGTCCCAGGATTCCCGGCGCGGCCAGGGCTGCCTGGAC-3'